The following is an entry in ClinVar:

ClinVar aggregate classification (germline): Benign/Likely benign. Review status: criteria provided, multiple submitters, no conflicts (2 of 4 stars). 3 submissions from 3 submitters: Benign (1); Likely benign (2). Last evaluated 2026-06-24.

Conditions:
Hereditary diffuse gastric adenocarcinoma (HDGC). Also called: DIFFUSE GASTRIC AND LOBULAR BREAST CANCER SYNDROME. Identifiers: Orphanet 26106, MedGen C1708349, MONDO:0007648, OMIM 137215.
Hereditary cancer-predisposing syndrome. Also called: Hereditary Cancer Syndrome; Hereditary neoplastic syndrome; Neoplastic Syndromes, Hereditary; Tumor predisposition. Identifiers: Orphanet 140162, MedGen C0027672, MeSH D009386, MONDO:0015356.

Submissions (3):

Ambry Genetics
Classification: Likely benign for Hereditary cancer-predisposing syndrome. Last evaluated: 2026-06-24. Review status: criteria provided, single submitter. Criteria: Ambry Variant Classification Scheme 2023. Collection method: clinical testing. Allele origin: germline.

Labcorp Genetics (formerly Invitae), Labcorp
Classification: Likely benign for Hereditary diffuse gastric adenocarcinoma. Last evaluated: 2025-05-14. Review status: criteria provided, single submitter. Criteria: Invitae Variant Classification Sherloc (09022015). Collection method: clinical testing. Allele origin: germline.

Myriad Genetics, Inc.
Classification: Benign for Hereditary diffuse gastric adenocarcinoma. Last evaluated: 2024-09-12. Review status: criteria provided, single submitter. Criteria: Myriad Autosomal Dominant, Autosomal Recessive and X-Linked Classification Criteria (2023). Collection method: clinical testing. Allele origin: unknown.
Comment: This variant is considered benign. This variant is a silent/synonymous amino acid change and it is not expected to impact splicing.

NM_004360.5(CDH1):c.187C>A (p.Arg63=)

Gene: CDH1 (cadherin 1; plus strand). Cytogenetic location: 16q22.1.
Variant type: single nucleotide variant.
Coding change: c.187C>A on transcript NM_004360.5 (MANE Select); coding-DNA position 187, C replaced by A.
Protein change: p.Arg63=; no amino-acid change (arginine 63 retained).
Molecular consequence: synonymous variant. On other transcripts: 5 prime UTR variant (2).
Genome position (GRCh38, 1-based): chr16:68,801,693, C>A. VCF-style: chr16-68801693-C-A. GRCh37 (hg19) VCF-style: chr16-68835596-C-A.
Other names: c.187C>A, p.Arg63= (NM_001317184.2); c.-1429C>A (NM_001317185.2); c.-1633C>A (NM_001317186.2).
Identifiers: ClinVar variation 2984791 (VCV002984791.5), dbSNP rs587783047, ClinGen allele CA496152598.